The following is an entry in ClinVar:

NM_172369.5(C1QC):c.540G>A (p.Val180=)

Gene: C1QC (complement C1q C chain; plus strand). Cytogenetic location: 1p36.12.
Variant type: single nucleotide variant.
Coding change: c.540G>A on transcript NM_172369.5 (MANE Select); coding-DNA position 540, G replaced by A.
Protein change: p.Val180=; no amino-acid change (valine 180 retained).
Molecular consequence: synonymous variant.
Genome position (GRCh38, 1-based): chr1:22,647,585, G>A. VCF-style: chr1-22647585-G-A. GRCh37 (hg19) VCF-style: chr1-22974078-G-A.
Other names: c.540G>A, p.Val180= (NM_001114101.3, NM_001347619.2); c.273G>A, p.Val91= (NM_001347620.2).
Identifiers: ClinVar variation 4085116 (VCV004085116.8).

ClinVar aggregate classification (germline): Likely benign (1 of 4 stars; one submission).

gnomAD v4.1: 1 of 1,614,116 alleles (0.000062%); highest among the groups gnomAD compares: Non-Finnish European, 0.000085%; no homozygotes.

Submission:

CeGaT Center for Human Genetics Tuebingen
Classification: Likely benign. Last evaluated: 2025-07-01. Review status: criteria provided, single submitter. Criteria: CeGaT Center For Human Genetics Tuebingen Variant Classification Criteria Version 2. Collection method: clinical testing. Allele origin: germline. Affected: yes. Observed: 1 variant allele.
Comment: C1QC: BP4, BP7